The following is an entry in ClinVar:

ClinVar aggregate classification (germline): Uncertain significance (1 of 4 stars; one submission).

Conditions:
Intellectual disability, autosomal recessive 53 (NEDHSCA). Also called: NEURODEVELOPMENTAL DISORDER WITH OR WITHOUT HYPOTONIA, SEIZURES, AND CEREBELLAR ATROPHY; GLYCOSYLPHOSPHATIDYLINOSITOL BIOSYNTHESIS DEFECT 13; Mental retardation, autosomal recessive 53. Identifiers: Orphanet 488635, MedGen C4310794, MONDO:0014832, OMIM 616917.

Allele frequency attached by ClinVar (database versions not stated): ExAC 0.00002; gnomAD 0.00003; gnomAD exomes 0.00003 and 0.00007; TOPMed 0.00005; ESP Exome Variant Server 0.00008.
gnomAD v4.1: 111 of 1,613,984 alleles (0.0069%); highest among the groups gnomAD compares: Non-Finnish European, 0.0092%; no homozygotes.

Submission:

Labcorp Genetics (formerly Invitae), Labcorp
Classification: Uncertain significance for Intellectual disability, autosomal recessive 53. Last evaluated: 2022-07-05. Review status: criteria provided, single submitter. Criteria: Invitae Variant Classification Sherloc (09022015). Collection method: clinical testing. Allele origin: germline.
Comment: This sequence change replaces leucine, which is neutral and non-polar, with histidine, which is basic and polar, at codon 609 of the PIGG protein (p.Leu609His). This variant is present in population databases (rs139476674, gnomAD 0.006%). This variant has not been reported in the literature in individuals affected with PIGG-related conditions. ClinVar contains an entry for this variant (Variation ID: 952778). Algorithms developed to predict the effect of missense changes on protein structure and function (SIFT, PolyPhen-2, Align-GVGD) all suggest that this variant is likely to be tolerated. In summary, the available evidence is currently insufficient to determine the role of this variant in disease. Therefore, it has been classified as a Variant of Uncertain Significance.

NM_001127178.3(PIGG):c.1826T>A (p.Leu609His)

Gene: PIGG (phosphatidylinositol glycan anchor biosynthesis class G (EMM blood group); plus strand). Cytogenetic location: 4p16.3.
Variant type: single nucleotide variant.
Coding change: c.1826T>A on transcript NM_001127178.3 (MANE Select); coding-DNA position 1826, T replaced by A.
Protein change: p.Leu609His; replaces leucine 609 with histidine.
Molecular consequence: missense variant. On other transcripts: non-coding transcript variant (6).
Genome position (GRCh38, 1-based): chr4:523,670, T>A. VCF-style: chr4-523670-T-A. GRCh37 (hg19) VCF-style: chr4-517459-T-A.
Other names: c.1559T>A, p.Leu520His (NM_001289051.2, NM_001345986.2); c.1427T>A, p.Leu476His (NM_001289052.2); c.1535T>A, p.Leu512His (NM_001345987.2); c.797T>A, p.Leu266His (NM_001345988.2); c.293T>A, p.Leu98His (NM_001345990.2, NM_001345991.2); c.728T>A, p.Leu243His (NM_001345994.2); c.1802T>A, p.Leu601His (NM_017733.5); short protein forms L266H, L476H, L243H, L512H, L520H, L601H, L609H, L98H.
Identifiers: ClinVar variation 952778 (VCV000952778.5), dbSNP rs139476674, ClinGen allele CA2793457.
Genomic context (GRCh38, chr4:523,670, plus strand): 5'-TGAGCCAAGAAACCTACAGAAACTACTTTCTGGGAGATGACGGTGAGCCTCCGTGTGGCC[T>A]CTGTGTGGAACAAGGGCATGACGGGGCCACAGCAGCGTGGCAGGACGGGCCTGGCTGTGA-3'
Protein context (NP_001120650.1, residues 599-619): LGDDGEPPCG[Leu609His]CVEQGHDGAT